The following is an entry in ClinVar:

ClinVar aggregate classification (germline): Benign. Review status: criteria provided, multiple submitters, no conflicts (2 of 4 stars). 3 submissions from 3 submitters: Benign (2). 1 of the submissions does not count toward it. Last evaluated 2026-02-02.

Conditions:
PIK3C2A-related disorder. Also called: PIK3C2A-related condition.

Allele frequency attached by ClinVar (database versions not stated): 1000 Genomes Project 30x 0.02327; 1000 Genomes Project 0.02436; ESP Exome Variant Server 0.05206; gnomAD 0.05864 and 0.06041; gnomAD exomes 0.06209 and 0.07444; ExAC 0.06281.
gnomAD v4.1: 111,118 of 1,534,906 alleles (7.2%); highest among the groups gnomAD compares: Non-Finnish European, 8.2%; 5,082 homozygotes.

Submissions (16):

Labcorp Genetics (formerly Invitae), Labcorp
Classification: Benign. Last evaluated: 2026-02-02. Review status: criteria provided, single submitter. Criteria: Invitae Variant Classification Sherloc (09022015). Collection method: clinical testing. Allele origin: germline.

Breakthrough Genomics
Classification: Benign. Review status: criteria provided, single submitter. Criteria: ACMG Guidelines, 2015. Collection method: not provided. Allele origin: germline. Inheritance: Autosomal recessive inheritance. Affected: yes.

PreventionGenetics, part of Exact Sciences
Classification: Benign for PIK3C2A-related condition. Last evaluated: 2020-01-02. Review status: no assertion criteria provided. Collection method: clinical testing. Allele origin: germline. Not counted in ClinVar's aggregate classification.
Comment: This variant is classified as benign based on ACMG/AMP sequence variant interpretation guidelines (Richards et al. 2015 PMID: 25741868, with internal and published modifications).

Dr. Peter K. Rogan Lab, Western University
No classification provided (evidence only). Condition: Acute myeloid leukemia. Review status: no classification provided. Collection method: in vitro. Allele origin: not applicable. Functional consequence: retained intron. Not counted in ClinVar's aggregate classification.

Dr. Peter K. Rogan Lab, Western University
No classification provided (evidence only). Condition: Acute myeloid leukemia. Review status: no classification provided. Collection method: in vitro. Allele origin: not applicable. Functional consequence: retained intron. Not counted in ClinVar's aggregate classification.

Dr. Peter K. Rogan Lab, Western University
No classification provided (evidence only). Condition: Acute myeloid leukemia. Review status: no classification provided. Collection method: in vitro. Allele origin: not applicable. Functional consequence: retained intron. Not counted in ClinVar's aggregate classification.

Dr. Peter K. Rogan Lab, Western University
No classification provided (evidence only). Condition: Acute myeloid leukemia. Review status: no classification provided. Collection method: in vitro. Allele origin: not applicable. Functional consequence: retained intron. Not counted in ClinVar's aggregate classification.

Dr. Peter K. Rogan Lab, Western University
No classification provided (evidence only). Condition: Uterine corpus endometrial carcinoma. Review status: no classification provided. Collection method: in vitro. Allele origin: not applicable. Functional consequence: retained intron. Not counted in ClinVar's aggregate classification.

Dr. Peter K. Rogan Lab, Western University
No classification provided (evidence only). Condition: Uterine corpus endometrial carcinoma. Review status: no classification provided. Collection method: in vitro. Allele origin: not applicable. Functional consequence: retained intron. Not counted in ClinVar's aggregate classification.

Dr. Peter K. Rogan Lab, Western University
No classification provided (evidence only). Condition: Uterine corpus endometrial carcinoma. Review status: no classification provided. Collection method: in vitro. Allele origin: not applicable. Functional consequence: skipped exon. Not counted in ClinVar's aggregate classification.

Dr. Peter K. Rogan Lab, Western University
No classification provided (evidence only). Condition: Malignant lymphoma, large B-cell, diffuse. Review status: no classification provided. Collection method: in vitro. Allele origin: not applicable. Functional consequence: retained intron. Not counted in ClinVar's aggregate classification.

Dr. Peter K. Rogan Lab, Western University
No classification provided (evidence only). Condition: Thymoma. Review status: no classification provided. Collection method: in vitro. Allele origin: not applicable. Functional consequence: retained intron. Not counted in ClinVar's aggregate classification.

Dr. Peter K. Rogan Lab, Western University
No classification provided (evidence only). Condition: Uterine carcinosarcoma. Review status: no classification provided. Collection method: in vitro. Allele origin: not applicable. Functional consequence: retained intron. Not counted in ClinVar's aggregate classification.

Dr. Peter K. Rogan Lab, Western University
No classification provided (evidence only). Condition: Uveal melanoma. Review status: no classification provided. Collection method: in vitro. Allele origin: not applicable. Functional consequence: retained intron. Not counted in ClinVar's aggregate classification.

Dr. Peter K. Rogan Lab, Western University
No classification provided (evidence only). Condition: Uveal melanoma. Review status: no classification provided. Collection method: in vitro. Allele origin: not applicable. Functional consequence: retained intron. Not counted in ClinVar's aggregate classification.

Dr. Peter K. Rogan Lab, Western University
No classification provided (evidence only). Condition: Uveal melanoma. Review status: no classification provided. Collection method: in vitro. Allele origin: not applicable. Functional consequence: retained intron. Not counted in ClinVar's aggregate classification.

NM_002645.4(PIK3C2A):c.3682-10T>G

Gene: PIK3C2A (phosphatidylinositol-4-phosphate 3-kinase catalytic subunit type 2 alpha; minus strand). Cytogenetic location: 11p15.1.
Variant type: single nucleotide variant.
Coding change: c.3682-10T>G on transcript NM_002645.4 (MANE Select); 10 bases into the intron before coding-DNA position 3682, T replaced by G.
Molecular consequence: intron variant.
Genome position (GRCh38, 1-based): chr11:17,102,841, A>C on the plus strand (T>G on the coding strand, the complement: PIK3C2A is on the minus strand). VCF-style: chr11-17102841-A-C. GRCh37 (hg19) VCF-style: chr11-17124388-A-C.
Other names: c.3682-10T>G (NM_001321378.1, NM_001321378.2); c.2542-10T>G (NM_001321380.2); c.3514-10T>G (NM_001386870.1).
Identifiers: ClinVar variation 1567569 (VCV001567569.12), dbSNP rs36120454, ClinGen allele CA5900700.